The following is an entry in ClinVar:

NM_006231.4(POLE):c.1856G>A (p.Cys619Tyr)

Gene: POLE (DNA polymerase epsilon, catalytic subunit; minus strand). Cytogenetic location: 12q24.33.
Variant type: single nucleotide variant.
Coding change: c.1856G>A on transcript NM_006231.4 (MANE Select); coding-DNA position 1856, G replaced by A.
Protein change: p.Cys619Tyr; replaces cysteine 619 with tyrosine.
Molecular consequence: missense variant.
Genome position (GRCh38, 1-based): chr12:132,668,878, C>T on the plus strand (G>A on the coding strand, the complement: POLE is on the minus strand). VCF-style: chr12-132668878-C-T. GRCh37 (hg19) VCF-style: chr12-133245464-C-T.
Other names: short protein forms C619Y.
Identifiers: ClinVar variation 240409 (VCV000240409.14), dbSNP rs752456199, ClinGen allele CA6893796.

ClinVar aggregate classification (germline): Uncertain significance. Review status: criteria provided, multiple submitters, no conflicts (2 of 4 stars). 5 submissions from 5 submitters: Uncertain significance (3). 2 of the submissions do not count toward it. Last evaluated 2025-02-18.

Conditions:
POLE-related disorder. Also called: POLE-related disorders; POLE-related condition.
Hereditary cancer-predisposing syndrome. Also called: Tumor predisposition; Neoplastic Syndromes, Hereditary; Hereditary Cancer Syndrome; Hereditary neoplastic syndrome. Identifiers: Orphanet 140162, MedGen C0027672, MeSH D009386, MONDO:0015356.

Allele frequency attached by ClinVar (database versions not stated): gnomAD 0.00001; TOPMed 0.00001; gnomAD exomes 0.00002 and 0.00004; ExAC 0.00003.
gnomAD v4.1: 59 of 1,613,968 alleles (0.0037%); highest among the groups gnomAD compares: Non-Finnish European, 0.0048%; no homozygotes.

Submissions (5):

Ambry Genetics
Classification: Uncertain significance for Hereditary cancer-predisposing syndrome. Last evaluated: 2025-02-18. Review status: criteria provided, single submitter. Criteria: Ambry Variant Classification Scheme 2023. Collection method: clinical testing. Allele origin: germline.
Comment: The p.C619Y variant (also known as c.1856G>A), located in coding exon 17 of the POLE gene, results from a G to A substitution at nucleotide position 1856. The cysteine at codon 619 is replaced by tyrosine, an amino acid with highly dissimilar properties. This amino acid position is highly conserved in available vertebrate species. In addition, the in silico prediction for this alteration is inconclusive. Based on the available evidence, the clinical significance of this variant remains unclear.

Labcorp Genetics (formerly Invitae), Labcorp
Classification: Uncertain significance. Last evaluated: 2025-01-23. Review status: criteria provided, single submitter. Criteria: Invitae Variant Classification Sherloc (09022015). Collection method: clinical testing. Allele origin: germline.
Comment: This sequence change replaces cysteine, which is neutral and slightly polar, with tyrosine, which is neutral and polar, at codon 619 of the POLE protein (p.Cys619Tyr). This variant is present in population databases (rs752456199, gnomAD 0.007%). This variant has not been reported in the literature in individuals affected with POLE-related conditions. ClinVar contains an entry for this variant (Variation ID: 240409). Invitae Evidence Modeling of protein sequence and biophysical properties (such as structural, functional, and spatial information, amino acid conservation, physicochemical variation, residue mobility, and thermodynamic stability) indicates that this missense variant is not expected to disrupt POLE protein function with a negative predictive value of 80%. In summary, the available evidence is currently insufficient to determine the role of this variant in disease. Therefore, it has been classified as a Variant of Uncertain Significance.

GeneDx
Classification: Uncertain significance. Last evaluated: 2023-03-06. Review status: criteria provided, single submitter. Criteria: GeneDx Variant Classification Process June 2021. Collection method: clinical testing. Allele origin: germline. Affected: yes.
Comment: Not observed at significant frequency in large population cohorts (gnomAD); In silico analysis supports that this missense variant does not alter protein structure/function; Has not been previously published as pathogenic or benign to our knowledge

PreventionGenetics, part of Exact Sciences
Classification: Uncertain significance for POLE-related condition. Last evaluated: 2024-01-22. Review status: no assertion criteria provided. Collection method: clinical testing. Allele origin: germline. Not counted in ClinVar's aggregate classification.
Comment: The POLE c.1856G>A variant is predicted to result in the amino acid substitution p.Cys619Tyr. To our knowledge, this variant has not been reported in the literature. This variant is reported in 0.0062% of alleles in individuals of African descent in gnomAD. At this time, the clinical significance of this variant is uncertain due to the absence of conclusive functional and genetic evidence.

True Health Diagnostics
Classification: Uncertain significance for Hereditary cancer-predisposing syndrome. Last evaluated: 2017-10-30. Review status: no assertion criteria provided. Collection method: clinical testing. Allele origin: germline. Not counted in ClinVar's aggregate classification.